The following is an entry in ClinVar:

NM_007259.5(VPS45):c.387C>G (p.Tyr129Ter)

Gene: VPS45 (vacuolar protein sorting 45 homolog; plus strand). Cytogenetic location: 1q21.2.
Variant type: single nucleotide variant.
Coding change: c.387C>G on transcript NM_007259.5 (MANE Select); coding-DNA position 387, C replaced by G.
Protein change: p.Tyr129Ter; replaces tyrosine 129 with a stop codon.
Molecular consequence: nonsense. On other transcripts: intron variant (1).
Genome position (GRCh38, 1-based): chr1:150,076,933, C>G. VCF-style: chr1-150076933-C-G. GRCh37 (hg19) VCF-style: chr1-150049011-C-G.
Other names: c.279C>G, p.Tyr93Ter (NM_001279354.2); c.261+621C>G (NM_001279353.2); short protein forms Y129*, Y93*.
Identifiers: ClinVar variation 4815529 (VCV004815529.1).

ClinVar aggregate classification (germline): Likely pathogenic (1 of 4 stars; one submission).

Conditions:
Congenital neutropenia-myelofibrosis-nephromegaly syndrome. Also called: Severe congenital neutropenia 5, autosomal recessive. Identifiers: Orphanet 369852, MedGen C3809031, MONDO:0014118, OMIM 615285.

Submission:

Natera, Inc.
Classification: Likely pathogenic for Autosomal recessive severe congenital neutropenia 5. Last evaluated: 2024-08-19. Review status: criteria provided, single submitter. Criteria: Natera Variant Classification Schema (03/2026). Collection method: clinical testing. Allele origin: germline.
Comment: The c.387C>G variant in VPS45 is a nonsense variant predicted to introduce a stop codon at amino acid 129. This variant is expected to result in nonsense mediated decay, truncation, or a dysfunctional protein product. This variant is rare in the general population with a frequency below the threshold expected for the associated phenotype(s). Given the available evidence, this variant is classified as Likely Pathogenic.